The following is an entry in ClinVar:

NM_004211.5(SLC6A5):c.2117G>T (p.Gly706Val)

Gene: SLC6A5 (solute carrier family 6 member 5; plus strand). Cytogenetic location: 11p15.1.
Variant type: single nucleotide variant.
Coding change: c.2117G>T on transcript NM_004211.5 (MANE Select); coding-DNA position 2117, G replaced by T.
Protein change: p.Gly706Val; replaces glycine 706 with valine.
Molecular consequence: missense variant.
Genome position (GRCh38, 1-based): chr11:20,652,335, G>T. VCF-style: chr11-20652335-G-T. GRCh37 (hg19) VCF-style: chr11-20673881-G-T.
Other names: c.1415G>T, p.Gly472Val (NM_001318369.2); short protein forms G706V, G472V.
Identifiers: ClinVar variation 1367804 (VCV001367804.8), dbSNP rs2133825046, ClinGen allele CA379915966.
Genomic context (GRCh38, chr11:20,652,335, plus strand): 5'-TTTTCTCTTTCCAGTTTATCCTTTGCTTCAGCTTTTACCAGTGGGAGCCCATGACCTATG[G>T]CTCTTACCGCTATCCTAACTGGTCCATGGTGCTCGGATGGCTAATGCTCGCCTGTTCCGT-3'
Protein context (NP_004202.4, residues 696-716): SFYQWEPMTY[Gly706Val]SYRYPNWSMV

ClinVar aggregate classification (germline): Uncertain significance (1 of 4 stars; one submission).

Conditions:
Hyperekplexia 3 (HKPX3). Also called: HYPEREKPLEXIA 3, AUTOSOMAL RECESSIVE; HYPEREKPLEXIA 3, AUTOSOMAL DOMINANT. Identifiers: Orphanet 3197, MedGen C3553288, MONDO:0013827, OMIM 614618.

Submission:

Labcorp Genetics (formerly Invitae), Labcorp
Classification: Uncertain significance for Hyperekplexia 3. Last evaluated: 2022-09-01. Review status: criteria provided, single submitter. Criteria: Invitae Variant Classification Sherloc (09022015). Collection method: clinical testing. Allele origin: germline.
Comment: In summary, the available evidence is currently insufficient to determine the role of this variant in disease. Therefore, it has been classified as a Variant of Uncertain Significance. This variant is not present in population databases (gnomAD no frequency). This sequence change replaces glycine, which is neutral and non-polar, with valine, which is neutral and non-polar, at codon 706 of the SLC6A5 protein (p.Gly706Val). Algorithms developed to predict the effect of missense changes on protein structure and function are either unavailable or do not agree on the potential impact of this missense change (SIFT: "Deleterious"; PolyPhen-2: "Probably Damaging"; Align-GVGD: "Class C0"). ClinVar contains an entry for this variant (Variation ID: 1367804). This variant has not been reported in the literature in individuals affected with SLC6A5-related conditions.